The following is an entry in ClinVar:

ClinVar aggregate classification (germline): Uncertain significance. Review status: criteria provided, multiple submitters, no conflicts (2 of 4 stars). 2 submissions from 2 submitters: Uncertain significance (2). Last evaluated 2026-04-13.

Conditions:
Hereditary cancer-predisposing syndrome. Also called: Tumor predisposition; Hereditary Cancer Syndrome; Neoplastic Syndromes, Hereditary; Hereditary neoplastic syndrome. Identifiers: Orphanet 140162, MedGen C0027672, MeSH D009386, MONDO:0015356.

Allele frequency attached by ClinVar (database versions not stated): gnomAD exomes below 0.00001.
gnomAD v4.1: 4 of 1,614,040 alleles (0.00025%); highest among the groups gnomAD compares: Non-Finnish European, 0.00025%; no homozygotes.

Submissions (2):

Ambry Genetics
Classification: Uncertain significance for Hereditary cancer-predisposing syndrome. Last evaluated: 2026-04-13. Review status: criteria provided, single submitter. Criteria: Ambry Variant Classification Scheme 2023. Collection method: clinical testing. Allele origin: germline.
Comment: The p.V901I variant (also known as c.2701G>A), located in coding exon 23 of the POLE gene, results from a G to A substitution at nucleotide position 2701. The valine at codon 901 is replaced by isoleucine, an amino acid with highly similar properties. This amino acid position is conserved. In addition, this alteration is predicted to be tolerated by in silico analysis. Based on the available evidence, the clinical significance of this variant remains unclear.

Labcorp Genetics (formerly Invitae), Labcorp
Classification: Uncertain significance. Last evaluated: 2025-07-23. Review status: criteria provided, single submitter. Criteria: Invitae Variant Classification Sherloc (09022015). Collection method: clinical testing. Allele origin: germline.
Comment: This sequence change replaces valine, which is neutral and non-polar, with isoleucine, which is neutral and non-polar, at codon 901 of the POLE protein (p.Val901Ile). This variant is not present in population databases (gnomAD no frequency). This variant has not been reported in the literature in individuals affected with POLE-related conditions. ClinVar contains an entry for this variant (Variation ID: 575370). Invitae Evidence Modeling of protein sequence and biophysical properties (such as structural, functional, and spatial information, amino acid conservation, physicochemical variation, residue mobility, and thermodynamic stability) indicates that this missense variant is not expected to disrupt POLE protein function with a negative predictive value of 80%. In summary, the available evidence is currently insufficient to determine the role of this variant in disease. Therefore, it has been classified as a Variant of Uncertain Significance.

NM_006231.4(POLE):c.2701G>A (p.Val901Ile)

Gene: POLE (DNA polymerase epsilon, catalytic subunit; minus strand). Cytogenetic location: 12q24.33.
Variant type: single nucleotide variant.
Coding change: c.2701G>A on transcript NM_006231.4 (MANE Select); coding-DNA position 2701, G replaced by A.
Protein change: p.Val901Ile; replaces valine 901 with isoleucine.
Molecular consequence: missense variant.
Genome position (GRCh38, 1-based): chr12:132,664,009, C>T on the plus strand (G>A on the coding strand, the complement: POLE is on the minus strand). VCF-style: chr12-132664009-C-T. GRCh37 (hg19) VCF-style: chr12-133240595-C-T.
Other names: c.2701G>A (NM_006231.2); short protein forms V901I.
Identifiers: ClinVar variation 575370 (VCV000575370.9), dbSNP rs1565960706, ClinGen allele CA387394920.
Genomic context (GRCh38, chr12:132,664,009, plus strand): 5'-CAGGGCACTGACGCCAGGCCAGCCAGAGCTTCAGGACCAGAGGCCCCAGACTCACCTTGA[C>T]CATGATGTTCAACATGGCGCCTGGGTAGGAGATGGTCACTTTGGGCTTCTTCACATTGGT-3'
Protein context (NP_006222.2, residues 891-911): SYPGAMLNIM[Val901Ile]KEGFTNDQYQ